The following is an entry in ClinVar:

ClinVar aggregate classification (germline): Benign/Likely benign. Review status: criteria provided, multiple submitters, no conflicts (2 of 4 stars). 6 submissions from 6 submitters: Benign (1); Likely benign (5). Last evaluated 2026-09-01.

Conditions:
Primary ciliary dyskinesia 22. Also called: CILIARY DYSKINESIA, PRIMARY, 22, WITH OR WITHOUT SITUS INVERSUS. Identifiers: Orphanet 244, MedGen C3809543, MONDO:0014192, OMIM 615444.
Primary ciliary dyskinesia. Also called: Ciliary dyskinesia. Identifiers: Orphanet 244, MedGen C0008780, MONDO:0016575, HP:0012265.

Allele frequency attached by ClinVar (database versions not stated): gnomAD 0.00523 and 0.00514; gnomAD exomes 0.00541; ExAC 0.00569; ESP Exome Variant Server 0.00569; 1000 Genomes Project 30x 0.00172; 1000 Genomes Project 0.00180; TOPMed 0.00442.
gnomAD v4.1: 10,273 of 1,613,930 alleles (0.64%); highest among the groups gnomAD compares: Non-Finnish European, 0.75%; 56 homozygotes.

Submissions (6):

CeGaT Center for Human Genetics Tuebingen
Classification: Likely benign. Last evaluated: 2026-09-01. Review status: criteria provided, single submitter. Criteria: CeGaT Center For Human Genetics Tuebingen Variant Classification Criteria Version 2. Collection method: clinical testing. Allele origin: germline. Affected: yes. Observed: 5 variant alleles.
Comment: ZMYND10: BP4, BS2

Labcorp Genetics (formerly Invitae), Labcorp
Classification: Benign for Primary ciliary dyskinesia. Last evaluated: 2026-01-28. Review status: criteria provided, single submitter. Criteria: Invitae Variant Classification Sherloc (09022015). Collection method: clinical testing. Allele origin: germline.

GeneDx
Classification: Likely benign. Last evaluated: 2025-06-11. Review status: criteria provided, single submitter. Criteria: GeneDx Variant Classification Process June 2021. Collection method: clinical testing. Allele origin: germline. Affected: yes.
Comment: See Variant Classification Assertion Criteria.

ARUP Laboratories, Molecular Genetics and Genomics, ARUP Laboratories
Classification: Likely benign for Primary ciliary dyskinesia 22. Last evaluated: 2025-05-06. Review status: criteria provided, single submitter. Criteria: ARUP Molecular Germline Variant Investigation Process 2024. Collection method: clinical testing. Allele origin: germline.

Mayo Clinic Laboratories, Mayo Clinic
Classification: Likely benign. Last evaluated: 2025-01-20. Review status: criteria provided, single submitter. Criteria: ACMG Guidelines, 2015. Collection method: clinical testing. Allele origin: germline. Observed: 2 variant alleles.
Comment: BS1, BS2_supporting, BP4_moderate

Blueprint Genetics
Classification: Likely benign. Last evaluated: 2024-11-26. Review status: criteria provided, single submitter. Criteria: ACMG Guidelines, 2015. Collection method: clinical testing. Allele origin: germline.

Literature cited by the submitters: PubMed 26824761 (cited by Mayo Clinic Laboratories, Mayo Clinic).

NM_015896.4(ZMYND10):c.1105C>T (p.Arg369Trp)

Gene: ZMYND10 (zinc finger MYND-type containing 10; minus strand). Cytogenetic location: 3p21.31.
Variant type: single nucleotide variant.
Coding change: c.1105C>T on transcript NM_015896.4 (MANE Select); coding-DNA position 1105, C replaced by T.
Protein change: p.Arg369Trp; replaces arginine 369 with tryptophan.
Molecular consequence: missense variant.
Genome position (GRCh38, 1-based): chr3:50,341,826, G>A on the plus strand (C>T on the coding strand, the complement: ZMYND10 is on the minus strand). VCF-style: chr3-50341826-G-A. GRCh37 (hg19) VCF-style: chr3-50379257-G-A.
Other names: c.1090C>T, p.Arg364Trp (NM_001308379.2); short protein forms R369W, R364W.
Identifiers: ClinVar variation 241067 (VCV000241067.32), dbSNP rs142613783, ClinGen allele CA2416998.